The following is an entry in ClinVar:

NM_014363.6(SACS):c.11703T>C (p.Asn3901=)

Gene: SACS (sacsin molecular chaperone; minus strand). Cytogenetic location: 13q12.12.
Variant type: single nucleotide variant.
Coding change: c.11703T>C on transcript NM_014363.6 (MANE Select); coding-DNA position 11703, T replaced by C.
Protein change: p.Asn3901=; no amino-acid change (asparagine 3901 retained).
Molecular consequence: synonymous variant.
Genome position (GRCh38, 1-based): chr13:23,332,173, A>G on the plus strand (T>C on the coding strand, the complement: SACS is on the minus strand). VCF-style: chr13-23332173-A-G. GRCh37 (hg19) VCF-style: chr13-23906312-A-G.
Other names: p.Asn3901=; c.11262T>C, p.Asn3754= (NM_001278055.2).
Identifiers: ClinVar variation 287518 (VCV000287518.26), dbSNP rs146154135, ClinGen allele CA6910237.

ClinVar aggregate classification (germline): Conflicting classifications of pathogenicity. Review status: criteria provided, conflicting classifications (1 of 4 stars). 7 submissions from 7 submitters: Uncertain significance (2); Likely benign (4). 1 of the submissions does not count toward it. Last evaluated 2026-04-14.

Conditions:
Charlevoix-Saguenay spastic ataxia (SACS). Also called: SPASTIC ATAXIA 6, AUTOSOMAL RECESSIVE; AUTOSOMAL RECESSIVE SPASTIC ATAXIA OF CHARLEVOIX-SAGUENAY; Spastic ataxia of Charlevoix-Saguenay. Identifiers: Orphanet 98, MedGen C1849140, MONDO:0010041, OMIM 270550.
SACS-related disorder. Also called: SACS-related condition.
Hereditary spastic paraplegia. Also called: Familial spastic paraparesis. Identifiers: Orphanet 685, MedGen C0037773, MONDO:0019064. Disease mechanism: loss of function.
Spastic paraplegia. Identifiers: MedGen C0037772, HP:0001258.

Allele frequency attached by ClinVar (database versions not stated): ExAC 0.00013; gnomAD exomes 0.00014 and 0.00034; TOPMed 0.00014; gnomAD 0.00015 and 0.00016; ESP Exome Variant Server 0.00023.

Submissions (7):

PreventionGenetics, part of Exact Sciences
Classification: Likely benign for SACS-related condition. Last evaluated: 2026-04-14. Review status: criteria provided, single submitter. Criteria: ACMG Guidelines, 2015. Collection method: clinical testing. Allele origin: germline.
Comment: This variant is classified as likely benign based on ACMG/AMP sequence variant interpretation guidelines (Richards et al. 2015 PMID: 25741868, with internal and published modifications).

Labcorp Genetics (formerly Invitae), Labcorp
Classification: Likely benign for Spastic paraplegia. Last evaluated: 2025-12-17. Review status: criteria provided, single submitter. Criteria: Invitae Variant Classification Sherloc (09022015). Collection method: clinical testing. Allele origin: germline.

Mayo Clinic Laboratories, Mayo Clinic
Classification: Likely benign. Last evaluated: 2024-12-24. Review status: criteria provided, single submitter. Criteria: ACMG Guidelines, 2015. Collection method: clinical testing. Allele origin: germline. Observed: 3 variant alleles.
Comment: BP4, BP7

Genome-Nilou Lab
Classification: Likely benign for Charlevoix-Saguenay spastic ataxia. Last evaluated: 2021-09-05. Review status: criteria provided, single submitter. Criteria: ACMG Guidelines, 2015. Collection method: clinical testing. Allele origin: germline. Affected: no.

Genome Diagnostics Laboratory, The Hospital for Sick Children
Classification: Uncertain significance for Hereditary spastic paraplegia. Last evaluated: 2020-01-02. Review status: criteria provided, single submitter. Criteria: ACMG Guidelines, 2015. Collection method: clinical testing. Allele origin: germline. Affected: yes.

Eurofins Ntd Llc (ga)
Classification: Uncertain significance. Last evaluated: 2016-04-22. Review status: criteria provided, single submitter. Criteria: EGL Classification Definitions 2015. Collection method: clinical testing. Allele origin: germline. Observed: 1 variant allele, 1 heterozygote.

Natera, Inc.
Classification: Likely benign for Charlevoix-Saguenay type spastic ataxia. Last evaluated: 2020-02-28. Review status: no assertion criteria provided. Collection method: clinical testing. Allele origin: germline. Not counted in ClinVar's aggregate classification.